The following is an entry in ClinVar:

NM_006129.5(BMP1):c.1926+2dup

Gene: BMP1 (bone morphogenetic protein 1; plus strand). Cytogenetic location: 8p21.3.
Variant type: Duplication.
Coding change: c.1926+2dup on transcript NM_006129.5 (MANE Select); the canonical splice donor site of the intron after coding-DNA position 1926, one base duplicated (T; older notation c.1926+2dupT).
Molecular consequence: splice donor variant.
Genome position (GRCh38, 1-based): chr8:22,196,842, T duplicated. VCF-style (leftmost placement, unchanged base first): chr8-22196841-G-GT. GRCh37 (hg19) VCF-style: chr8-22054354-G-GT.
Other names: c.1926+2dup (NM_001199.4).
Identifiers: ClinVar variation 4819338 (VCV004819338.1).

ClinVar aggregate classification (germline): Likely pathogenic (1 of 4 stars; one submission).

Conditions:
Osteogenesis imperfecta type 13. Also called: Osteogenesis imperfecta, type xiii; OI, TYPE XIII. Identifiers: Orphanet 666, MedGen C3553887, MONDO:0013924, OMIM 614856.

Submission:

Clinical Biomedical Laboratory, Shriners Hospital For Children - Canada
Classification: Likely pathogenic for Osteogenesis imperfecta type 13. Review status: criteria provided, single submitter. Criteria: ACMG Guidelines, 2015. Collection method: clinical testing. Allele origin: germline. Affected: yes.
Comment: This variant affects a consensus splice site in the primary BMP1 transcript (NM_006129.5). This variant is absent from general population databases (Genome Aggregation Database), indicating it is rare. Variants affecting consensus splice sites in BMP1 are a cause of osteogenesis imperfecta, which corresponds to the clinical diagnosis of the proband. Based on the ACMG variant interpretation guidelines, the available evidence supports classification of this variant as likely pathogenic.